The following is an entry in ClinVar:

NM_173660.5(DOK7):c.831C>T (p.Ala277=)

Gene: DOK7 (docking protein 7; plus strand). Cytogenetic location: 4p16.3.
Variant type: single nucleotide variant.
Coding change: c.831C>T on transcript NM_173660.5 (MANE Select); coding-DNA position 831, C replaced by T.
Protein change: p.Ala277=; no amino-acid change (alanine 277 retained).
Molecular consequence: synonymous variant. On other transcripts: 3 prime UTR variant (1), 5 prime UTR variant (1).
Genome position (GRCh38, 1-based): chr4:3,492,817, C>T. VCF-style: chr4-3492817-C-T. GRCh37 (hg19) VCF-style: chr4-3494544-C-T.
Other names: c.*52C>T (NM_001164673.2); c.-100C>T (NM_001256896.2); c.831C>T, p.Ala277= (NM_001301071.2); c.399C>T, p.Ala133= (NM_001363811.2).
Identifiers: ClinVar variation 465689 (VCV000465689.31), dbSNP rs150549589, ClinGen allele CA2829243.

ClinVar aggregate classification (germline): Benign/Likely benign. Review status: criteria provided, multiple submitters, no conflicts (2 of 4 stars). 6 submissions from 6 submitters: Benign (2); Likely benign (4). Last evaluated 2026-01-28.

Conditions:
Fetal akinesia deformation sequence 1 (FADS1). Also called: Pena-Shokeir syndrome type I; Fetal akinesia sequence. Identifiers: Orphanet 994, MedGen C1276035, MONDO:0100101, OMIM 208150, HP:0001989.
Congenital myasthenic syndrome 10. Also called: Myasthenia, limb-girdle, familial. Identifiers: Orphanet 590, MedGen C1850792, MONDO:0009690, OMIM 254300.

Allele frequency attached by ClinVar (database versions not stated): 1000 Genomes Project 30x 0.00125; TOPMed 0.00130; ExAC 0.00160; gnomAD exomes 0.00165; ESP Exome Variant Server 0.00077; gnomAD 0.00113 and 0.00123; 1000 Genomes Project 0.00120.
gnomAD v4.1: 2,530 of 1,612,678 alleles (0.16%); highest among the groups gnomAD compares: Middle Eastern, 0.68%; 9 homozygotes.

Submissions (6):

Labcorp Genetics (formerly Invitae), Labcorp
Classification: Benign for Congenital myasthenic syndrome 10; Fetal akinesia deformation sequence 1. Last evaluated: 2026-01-28. Review status: criteria provided, single submitter. Criteria: Invitae Variant Classification Sherloc (09022015). Collection method: clinical testing. Allele origin: germline.

CeGaT Center for Human Genetics Tuebingen
Classification: Likely benign. Last evaluated: 2025-04-01. Review status: criteria provided, single submitter. Criteria: CeGaT Center For Human Genetics Tuebingen Variant Classification Criteria Version 2. Collection method: clinical testing. Allele origin: germline. Affected: yes. Observed: 3 variant alleles.
Comment: DOK7: BP4, BP7

Blueprint Genetics
Classification: Likely benign. Last evaluated: 2024-11-21. Review status: criteria provided, single submitter. Criteria: ACMG Guidelines, 2015. Collection method: clinical testing. Allele origin: germline.

Athena Diagnostics
Classification: Benign. Last evaluated: 2020-08-19. Review status: criteria provided, single submitter. Criteria: Athena Diagnostics Criteria. Collection method: clinical testing. Allele origin: unknown.

GeneDx
Classification: Likely benign. Last evaluated: 2020-07-13. Review status: criteria provided, single submitter. Criteria: GeneDx Variant Classification Process June 2021. Collection method: clinical testing. Allele origin: germline. Affected: yes.
Comment: This variant is associated with the following publications: (PMID: 22661499)

Breakthrough Genomics
Classification: Likely benign. Review status: criteria provided, single submitter. Criteria: ACMG Guidelines, 2015. Collection method: not provided. Allele origin: germline. Inheritance: Autosomal recessive inheritance. Affected: yes.